The following is an entry in ClinVar:

ClinVar aggregate classification (germline): Uncertain significance. Review status: criteria provided, multiple submitters, no conflicts (2 of 4 stars). 2 submissions from 2 submitters: Uncertain significance (2). Last evaluated 2025-07-19.

Conditions:
Familial hypocalciuric hypercalcemia (FHH). Also called: Familial benign hypercalcemia. Identifiers: Orphanet 405, MedGen C1809471, MONDO:0018458.
Autosomal dominant hypocalcemia 1 (HYPOC1). Also called: HYPOCALCEMIA, FAMILIAL. Identifiers: MedGen C3715128, MONDO:0011013, OMIM 601198.
Nephrolithiasis/nephrocalcinosis. Identifiers: MedGen CN580796.

Allele frequency attached by ClinVar (database versions not stated): gnomAD exomes below 0.00001.
gnomAD v4.1: 2 of 1,613,756 alleles (0.00012%); highest among the groups gnomAD compares: Non-Finnish European, 0.00017%; no homozygotes.

Submissions (2):

Labcorp Genetics (formerly Invitae), Labcorp
Classification: Uncertain significance for Familial hypocalciuric hypercalcemia; Autosomal dominant hypocalcemia 1. Last evaluated: 2025-07-19. Review status: criteria provided, single submitter. Criteria: Invitae Variant Classification Sherloc (09022015). Collection method: clinical testing. Allele origin: germline.
Comment: This sequence change replaces leucine, which is neutral and non-polar, with phenylalanine, which is neutral and non-polar, at codon 650 of the CASR protein (p.Leu650Phe). This variant is not present in population databases (gnomAD no frequency). This variant has not been reported in the literature in individuals affected with CASR-related conditions. ClinVar contains an entry for this variant (Variation ID: 463916). An algorithm developed to predict the effect of missense changes on protein structure and function (PolyPhen-2) suggests that this variant is likely to be disruptive. In summary, the available evidence is currently insufficient to determine the role of this variant in disease. Therefore, it has been classified as a Variant of Uncertain Significance.

Ambry Genetics
Classification: Uncertain significance for Nephrolithiasis/nephrocalcinosis. Last evaluated: 2021-06-18. Review status: criteria provided, single submitter. Criteria: Ambry Variant Classification Scheme 2023. Collection method: clinical testing. Allele origin: germline.
Comment: The p.L650F variant (also known as c.1948C>T), located in coding exon 6 of the CASR gene, results from a C to T substitution at nucleotide position 1948. The leucine at codon 650 is replaced by phenylalanine, an amino acid with highly similar properties. This amino acid position is conserved. In addition, this alteration is predicted to be deleterious by in silico analysis. Since supporting evidence is limited at this time, the clinical significance of this alteration remains unclear.

NM_000388.4(CASR):c.1948C>T (p.Leu650Phe)

Gene: CASR (calcium sensing receptor; plus strand). Cytogenetic location: 3q21.1.
Variant type: single nucleotide variant.
Coding change: c.1948C>T on transcript NM_000388.4 (MANE Select); coding-DNA position 1948, C replaced by T.
Protein change: p.Leu650Phe; replaces leucine 650 with phenylalanine.
Molecular consequence: missense variant.
Genome position (GRCh38, 1-based): chr3:122,283,902, C>T. VCF-style: chr3-122283902-C-T. GRCh37 (hg19) VCF-style: chr3-122002749-C-T.
Other names: c.1978C>T, p.Leu660Phe (NM_001178065.2); short protein forms L650F, L660F.
Identifiers: ClinVar variation 463916 (VCV000463916.13), dbSNP rs1553768963, ClinGen allele CA354158106.